The following is an entry in ClinVar:

ClinVar aggregate classification (germline): Likely pathogenic (1 of 4 stars; one submission).

Conditions:
Autosomal recessive nonsyndromic hearing loss 3. Also called: NEUROSENSORY NONSYNDROMIC RECESSIVE DEAFNESS 3. Identifiers: Orphanet 90636, MedGen C1838263, MONDO:0010860, OMIM 600316.

Submission:

Institute of Rare Diseases, West China Hospital, Sichuan University
Classification: Likely pathogenic for Autosomal recessive nonsyndromic hearing loss 3. Last evaluated: 2025-01-09. Review status: criteria provided, single submitter. Criteria: ClinGen HL ACMG Specifications v1. Collection method: research. Allele origin: germline. Affected: yes.
Comment: PVS1;PM2_Supporting

NM_016239.4(MYO15A):c.9309C>A (p.Cys3103Ter)

Gene: MYO15A (myosin XVA; plus strand). Cytogenetic location: 17p11.2.
Variant type: single nucleotide variant.
Coding change: c.9309C>A on transcript NM_016239.4 (MANE Select); coding-DNA position 9309, C replaced by A.
Protein change: p.Cys3103Ter; replaces cysteine 3103 with a stop codon.
Molecular consequence: nonsense.
Genome position (GRCh38, 1-based): chr17:18,159,940, C>A. VCF-style: chr17-18159940-C-A. GRCh37 (hg19) VCF-style: chr17-18063254-C-A.
Other names: short protein forms C3103*.
Identifiers: ClinVar variation 3601420 (VCV003601420.1).